The following is an entry in ClinVar:

ClinVar aggregate classification (germline): Benign/Likely benign. Review status: criteria provided, multiple submitters, no conflicts (2 of 4 stars). 7 submissions from 7 submitters: Benign (1); Likely benign (6). Last evaluated 2026-02-01.

Conditions:
Inborn genetic diseases. Identifiers: MedGen C0950123, MeSH D030342.
Charcot-Marie-Tooth disease type 2. Also called: Charcot-Marie-Tooth type 2. Identifiers: Orphanet 64746, MedGen C0270914, MONDO:0018993.
AARS1-related disorder. Also called: AARS1-related condition.
Charcot-Marie-Tooth disease axonal type 2N (CMT2N). Also called: Charcot-Marie-Tooth Neuropathy Type 2N; CHARCOT-MARIE-TOOTH DISEASE, AXONAL, AUTOSOMAL DOMINANT, TYPE 2N; CHARCOT-MARIE-TOOTH NEUROPATHY, AXONAL, TYPE 2N. Identifiers: Orphanet 228174, MedGen C2750090, MONDO:0013212, OMIM 613287.

Allele frequency attached by ClinVar (database versions not stated): ESP Exome Variant Server 0.00008; gnomAD 0.00010; ExAC 0.00034; TOPMed 0.00037; gnomAD exomes 0.00040; 1000 Genomes Project 30x 0.00047; 1000 Genomes Project 0.00060.

Submissions (7):

CeGaT Center for Human Genetics Tuebingen
Classification: Likely benign. Last evaluated: 2026-02-01. Review status: criteria provided, single submitter. Criteria: CeGaT Center For Human Genetics Tuebingen Variant Classification Criteria Version 2. Collection method: clinical testing. Allele origin: germline. Affected: yes. Observed: 1 variant allele.
Comment: AARS1: BP4, BP7

Labcorp Genetics (formerly Invitae), Labcorp
Classification: Benign for Charcot-Marie-Tooth disease type 2. Last evaluated: 2025-12-20. Review status: criteria provided, single submitter. Criteria: Invitae Variant Classification Sherloc (09022015). Collection method: clinical testing. Allele origin: germline.

PreventionGenetics, part of Exact Sciences
Classification: Likely benign for AARS1-related condition. Last evaluated: 2024-11-25. Review status: criteria provided, single submitter. Criteria: ACMG Guidelines, 2015. Collection method: clinical testing. Allele origin: germline.
Comment: This variant is classified as likely benign based on ACMG/AMP sequence variant interpretation guidelines (Richards et al. 2015 PMID: 25741868, with internal and published modifications).

Blueprint Genetics
Classification: Likely benign. Last evaluated: 2023-12-15. Review status: criteria provided, single submitter. Criteria: ACMG Guidelines, 2015. Collection method: clinical testing. Allele origin: germline.

Ambry Genetics
Classification: Likely benign for Inborn genetic diseases. Last evaluated: 2019-07-11. Review status: criteria provided, single submitter. Criteria: Ambry Variant Classification Scheme 2023. Collection method: clinical testing. Allele origin: germline.

GeneDx
Classification: Likely benign. Last evaluated: 2018-07-11. Review status: criteria provided, single submitter. Criteria: GeneDx Variant Classification Process June 2021. Collection method: clinical testing. Allele origin: germline. Affected: yes.

Illumina Laboratory Services, Illumina
Classification: Likely benign for Charcot-Marie-Tooth disease axonal type 2N. Last evaluated: 2018-01-13. Review status: criteria provided, single submitter. Criteria: ICSL Variant Classification Criteria 13 December 2019. Collection method: clinical testing. Allele origin: germline.
Comment: This variant was observed in the ICSL laboratory as part of a predisposition screen in an ostensibly healthy population. It had not been previously curated by ICSL or reported in the Human Gene Mutation Database (HGMD: prior to June 1st, 2018), and was therefore a candidate for classification through an automated scoring system. Utilizing variant allele frequency, disease prevalence and penetrance estimates, and inheritance mode, an automated score was calculated to assess if this variant is too frequent to cause the disease. Based on the score and internal cut-off values, a variant classified as likely benign is not then subjected to further curation. The score for this variant resulted in a classification of likely benign for this disease.

NM_001605.3(AARS1):c.1410C>T (p.Ile470=)

Gene: AARS1 (alanyl-tRNA synthetase 1; minus strand). Cytogenetic location: 16q22.1.
Variant type: single nucleotide variant.
Coding change: c.1410C>T on transcript NM_001605.3 (MANE Select); coding-DNA position 1410, C replaced by T.
Protein change: p.Ile470=; no amino-acid change (isoleucine 470 retained).
Molecular consequence: synonymous variant.
Genome position (GRCh38, 1-based): chr16:70,265,040, G>A on the plus strand (C>T on the coding strand, the complement: AARS1 is on the minus strand). VCF-style: chr16-70265040-G-A. GRCh37 (hg19) VCF-style: chr16-70298943-G-A.
Identifiers: ClinVar variation 320342 (VCV000320342.22), dbSNP rs79785372, ClinGen allele CA8140822.